The following is an entry in ClinVar:

ClinVar aggregate classification (germline): Uncertain significance. Review status: criteria provided, multiple submitters, no conflicts (2 of 4 stars). 2 submissions from 2 submitters: Uncertain significance (2). Last evaluated 2023-12-01.

Conditions:
Inborn genetic diseases. Identifiers: MedGen C0950123, MeSH D030342.

Allele frequency attached by ClinVar (database versions not stated): gnomAD exomes below 0.00001; TOPMed below 0.00001.
gnomAD v4.1: 4 of 1,614,034 alleles (0.00025%); highest among the groups gnomAD compares: South Asian, 0.0011%; no homozygotes.

Submissions (2):

Labcorp Genetics (formerly Invitae), Labcorp
Classification: Uncertain significance. Last evaluated: 2023-12-01. Review status: criteria provided, single submitter. Criteria: Invitae Variant Classification Sherloc (09022015). Collection method: clinical testing. Allele origin: germline.
Comment: This sequence change replaces valine, which is neutral and non-polar, with isoleucine, which is neutral and non-polar, at codon 1000 of the JAK1 protein (p.Val1000Ile). This variant is not present in population databases (gnomAD no frequency). This variant has not been reported in the literature in individuals affected with JAK1-related conditions. An algorithm developed to predict the effect of missense changes on protein structure and function (PolyPhen-2) suggests that this variant is likely to be tolerated. In summary, the available evidence is currently insufficient to determine the role of this variant in disease. Therefore, it has been classified as a Variant of Uncertain Significance.

Ambry Genetics
Classification: Uncertain significance for Inborn genetic diseases. Last evaluated: 2023-11-14. Review status: criteria provided, single submitter. Criteria: Ambry Variant Classification Scheme 2023. Collection method: clinical testing. Allele origin: germline.

NM_002227.4(JAK1):c.2998G>A (p.Val1000Ile)

Gene: JAK1 (Janus kinase 1; minus strand). Cytogenetic location: 1p31.3.
Variant type: single nucleotide variant.
Coding change: c.2998G>A on transcript NM_002227.4 (MANE Select); coding-DNA position 2998, G replaced by A.
Protein change: p.Val1000Ile; replaces valine 1000 with isoleucine.
Molecular consequence: missense variant.
Genome position (GRCh38, 1-based): chr1:64,838,074, C>T on the plus strand (G>A on the coding strand, the complement: JAK1 is on the minus strand). VCF-style: chr1-64838074-C-T. GRCh37 (hg19) VCF-style: chr1-65303757-C-T.
Other names: c.2998G>A, p.Val1000Ile (NM_001320923.2, NM_001321852.2, NM_001321853.2 and 3 more transcripts); c.2995G>A, p.Val999Ile (NM_001321857.2); c.2998G>A (NM_002227.2); short protein forms V1000I, V999I.
Identifiers: ClinVar variation 2791692 (VCV002791692.4), dbSNP rs897926965, ClinGen allele CA23899037.